The following is an entry in ClinVar:

NM_001370259.2(MEN1):c.654G>A (p.Arg218=)

Gene: MEN1 (menin 1; minus strand). Cytogenetic location: 11q13.1.
Variant type: single nucleotide variant.
Coding change: c.654G>A on transcript NM_001370259.2 (MANE Select); coding-DNA position 654, G replaced by A.
Protein change: p.Arg218=; no amino-acid change (arginine 218 retained).
Molecular consequence: synonymous variant. On other transcripts: non-coding transcript variant (4), intron variant (5).
Genome position (GRCh38, 1-based): chr11:64,807,891, C>T on the plus strand (G>A on the coding strand, the complement: MEN1 is on the minus strand). VCF-style: chr11-64807891-C-T. GRCh37 (hg19) VCF-style: chr11-64575363-C-T.
Other names: c.669G>A, p.Arg223= (NM_000244.4, NM_001407145.1, NM_001407150.1 and 5 more transcripts); c.654G>A, p.Arg218= (NM_001370251.2, NM_001370260.2, NM_001370261.2 and 7 more transcripts); c.549+105G>A (NM_001407148.1, NM_001407149.1, NM_001407151.1 and 2 more transcripts).
Identifiers: ClinVar variation 2823979 (VCV002823979.3), dbSNP rs2136148225, ClinGen allele CA475162822.

ClinVar aggregate classification (germline): Uncertain significance (1 of 4 stars; one submission).

Conditions:
Multiple endocrine neoplasia, type 1 (MEN1). Also called: MEN I; WERMER SYNDROME; Endocrine adenomatosis multiple; MEN 1; MEA I. Identifiers: Orphanet 652, MedGen C0025267, MeSH D018761, MONDO:0007540, OMIM 131100.

Allele frequency attached by ClinVar (database versions not stated): gnomAD exomes below 0.00001.
gnomAD v4.1: 1 of 1,614,028 alleles (0.000062%); highest among the groups gnomAD compares: Non-Finnish European, 0.000085%; no homozygotes.

Submission:

Labcorp Genetics (formerly Invitae), Labcorp
Classification: Uncertain significance for Multiple endocrine neoplasia, type 1. Last evaluated: 2023-01-19. Review status: criteria provided, single submitter. Criteria: Invitae Variant Classification Sherloc (09022015). Collection method: clinical testing. Allele origin: germline.
Comment: This variant is not present in population databases (gnomAD no frequency). In summary, the available evidence is currently insufficient to determine the role of this variant in disease. Therefore, it has been classified as a Variant of Uncertain Significance. Variants that disrupt the consensus splice site are a relatively common cause of aberrant splicing (PMID: 17576681, 9536098). Algorithms developed to predict the effect of sequence changes on RNA splicing suggest that this variant may disrupt the consensus splice site. This variant has not been reported in the literature in individuals affected with MEN1-related conditions. This sequence change affects codon 218 of the MEN1 mRNA. It is a 'silent' change, meaning that it does not change the encoded amino acid sequence of the MEN1 protein. This variant also falls at the last nucleotide of exon 3, which is part of the consensus splice site for this exon.

Literature cited by the submitters: PubMed 17576681; PubMed 9536098.